The following is an entry in ClinVar:

NM_000051.4(ATM):c.1597_1600dup (p.Pro534fs)

Gene: ATM (ATM serine/threonine kinase; plus strand). Cytogenetic location: 11q22.3.
Variant type: Duplication.
Coding change: c.1597_1600dup on transcript NM_000051.4 (MANE Select); coding-DNA positions 1597 to 1600, 4 bases duplicated (AGAC; older notation c.1597_1600dupAGAC).
Protein change: p.Pro534fs; shifts the reading frame from proline 534.
Molecular consequence: frameshift variant.
Genome position (GRCh38, 1-based): chr11:108,251,062-108,251,065, AGAC duplicated; duplicating any 4 consecutive bases within chr11:108,251,061-108,251,065 gives the same sequence; the c. name uses the placement nearest the transcript's 3' end. VCF-style (leftmost placement, unchanged base first): chr11-108251060-G-GCAGA. GRCh37 (hg19) VCF-style: chr11-108121787-G-GCAGA.
Other names: c.1597_1600dupAGAC (NM_000051.3); c.1597_1600dup, p.Pro534fs (NM_001351834.2); short protein forms P534fs.
Identifiers: ClinVar variation 429086 (VCV000429086.17), dbSNP rs1131691166, ClinGen allele CA645369496.
Genomic context (GRCh38, chr11:108,251,060, plus strand): 5'-TTCAGGGTAGTTTAGTTGAGGTTGACAGAGAATTCTGGAAGTTATTTACTGGGTCAGCCT[G>GCAGA]CAGACCTTCATGGTAAGTTCAGCATGCATTATGTCTGACTTACAGATAAACACACACAGA-3'

ClinVar aggregate classification (germline): Pathogenic. Review status: criteria provided, multiple submitters, no conflicts (2 of 4 stars). 4 submissions from 4 submitters: Pathogenic (4). Last evaluated 2025-06-30.

Conditions:
Familial cancer of breast. Also called: BREAST CANCER, FAMILIAL; Hereditary breast cancer; hereditary breast carcinoma. Identifiers: Orphanet 227535, MedGen C0346153, MONDO:0016419, OMIM 114480. Disease mechanism: loss of function.
Hereditary cancer-predisposing syndrome. Also called: Hereditary neoplastic syndrome; Tumor predisposition; Neoplastic Syndromes, Hereditary; Hereditary Cancer Syndrome. Identifiers: Orphanet 140162, MedGen C0027672, MeSH D009386, MONDO:0015356.
Ataxia-telangiectasia syndrome (AT). Also called: Cerebello-oculocutaneous telangiectasia; Immunodeficiency with ataxia telangiectasia; Ataxia-telangiectasia; LOUIS-BAR SYNDROME; Ataxia-telangiectasia, complementation group E; Ataxia telangiectasia (A-T). Identifiers: Orphanet 100, MedGen C0004135, MONDO:0008840, OMIM 208900.

Submissions (4):

Ambry Genetics
Classification: Pathogenic for Hereditary cancer-predisposing syndrome. Last evaluated: 2025-06-30. Review status: criteria provided, single submitter. Criteria: Ambry Variant Classification Scheme 2023. Collection method: clinical testing. Allele origin: germline.
Comment: The c.1597_1600dupAGAC pathogenic mutation, located in coding exon 9 of the ATM gene, results from a duplication of AGAC at nucleotide position 1597, causing a translational frameshift with a predicted alternate stop codon (p.P534Qfs*33). This variant is considered to be rare based on population cohorts in the Genome Aggregation Database (gnomAD). This alteration is expected to result in loss of function by premature protein truncation or nonsense-mediated mRNA decay. As such, this alteration is interpreted as a disease-causing mutation.

Labcorp Genetics (formerly Invitae), Labcorp
Classification: Pathogenic for Ataxia-telangiectasia syndrome. Last evaluated: 2024-02-15. Review status: criteria provided, single submitter. Criteria: Invitae Variant Classification Sherloc (09022015). Collection method: clinical testing. Allele origin: germline.
Comment: This sequence change creates a premature translational stop signal (p.Pro534Glnfs*33) in the ATM gene. It is expected to result in an absent or disrupted protein product. Loss-of-function variants in ATM are known to be pathogenic (PMID: 23807571, 25614872). This variant is not present in population databases (gnomAD no frequency). This variant has not been reported in the literature in individuals affected with ATM-related conditions. ClinVar contains an entry for this variant (Variation ID: 429086). For these reasons, this variant has been classified as Pathogenic.

Myriad Genetics, Inc.
Classification: Pathogenic for Familial cancer of breast. Last evaluated: 2024-01-16. Review status: criteria provided, single submitter. Criteria: Myriad Autosomal Dominant, Autosomal Recessive and X-Linked Classification Criteria (2023). Collection method: clinical testing. Allele origin: unknown.
Comment: This variant is considered pathogenic. This variant creates a frameshift predicted to result in premature protein truncation.

Color Diagnostics, LLC DBA Color Health
Classification: Pathogenic for Hereditary cancer-predisposing syndrome. Last evaluated: 2023-06-13. Review status: criteria provided, single submitter. Criteria: ACMG Guidelines, 2015. Collection method: clinical testing. Allele origin: germline.
Comment: This variant inserts 4 nucleotides in exon 10 of the ATM gene, creating a frameshift and premature translation stop signal. This variant is expected to result in an absent or non-functional protein product. To our knowledge, this variant has not been reported in individuals affected with hereditary cancer in the literature. This variant has not been identified in the general population by the Genome Aggregation Database (gnomAD). Loss of ATM function is a known mechanism of disease. Based on the available evidence, this variant is classified as Pathogenic.

Literature cited by the submitters: PubMed 23807571 (cited by Labcorp Genetics (formerly Invitae), Labcorp); PubMed 25614872 (cited by Labcorp Genetics (formerly Invitae), Labcorp).